The following is an entry in ClinVar:

ClinVar aggregate classification (germline): Pathogenic (1 of 4 stars; one submission).

Conditions:
Congenital myasthenic syndrome 4A. Also called: Myasthenic syndrome, congenital, 4a, slow-channel; CONGENITAL MYASTHENIC SYNDROME TYPE Ia1; MYASTHENIC SYNDROME, CONGENITAL, 4A, SLOW-CHANNEL, AUTOSOMAL RECESSIVE. Identifiers: Orphanet 590, MedGen C4225413, MONDO:0011600, OMIM 605809.

Submission:

Labcorp Genetics (formerly Invitae), Labcorp
Classification: Pathogenic for Congenital myasthenic syndrome 4A. Last evaluated: 2022-03-09. Review status: criteria provided, single submitter. Criteria: Invitae Variant Classification Sherloc (09022015). Collection method: clinical testing. Allele origin: germline.
Comment: For these reasons, this variant has been classified as Pathogenic. This variant has not been reported in the literature in individuals affected with CHRNE-related conditions. This variant is not present in population databases (gnomAD no frequency). This sequence change creates a premature translational stop signal (p.Ser329Profs*67) in the CHRNE gene. It is expected to result in an absent or disrupted protein product. Loss-of-function variants in CHRNE are known to be pathogenic (PMID: 22678886).

Literature cited by the submitters: PubMed 22678886.

NM_000080.4(CHRNE):c.985_986del (p.Ser329fs)

Gene: CHRNE (cholinergic receptor nicotinic epsilon subunit; minus strand). Cytogenetic location: 17p13.2.
Variant type: Deletion.
Coding change: c.985_986del on transcript NM_000080.4 (MANE Select); coding-DNA positions 985 to 986, 2 bases deleted (TC; older notation c.985_986delTC).
Protein change: p.Ser329fs; shifts the reading frame from serine 329.
Molecular consequence: frameshift variant.
Genome position (GRCh38, 1-based): chr17:4,899,514-4,899,515, GA deleted on the plus strand (TC on the coding strand, the reverse complement: CHRNE is on the minus strand). VCF-style (leftmost placement, unchanged base first): chr17-4899513-GGA-G. GRCh37 (hg19) VCF-style: chr17-4802808-GGA-G.
Other names: short protein forms S329fs.
Identifiers: ClinVar variation 1424525 (VCV001424525.6), dbSNP rs1969880683, ClinGen allele CA2244610946.